The following is an entry in ClinVar:

NM_005458.8(GABBR2):c.33GCC[5] (p.Pro20del)

Gene: GABBR2 (gamma-aminobutyric acid type B receptor subunit 2; minus strand). Cytogenetic location: 9q22.33.
Variant type: Microsatellite.
Coding change: c.33GCC[5] on transcript NM_005458.8 (MANE Select); five copies in a row of the 3-base unit GCC starting at c.33; the reference has six copies in a row; one copy, 3 bases deleted; also written c.48_50del.
Protein change: p.Pro20del; deletes proline 20.
Molecular consequence: inframe deletion.
Genome position (GRCh38, 1-based): chr9:98,708,688-98,708,690, GGC deleted on the plus strand (GCC on the coding strand, the reverse complement: GABBR2 is on the minus strand); deleting any 3 consecutive bases within chr9:98,708,688-98,708,705 gives the same sequence; the position shown is the placement nearest the transcript's 3' end. VCF-style (leftmost placement, unchanged base first): chr9-98708687-TGGC-T. GRCh37 (hg19) VCF-style: chr9-101470969-TGGC-T.
Other names: c.48_50del (NM_005458.8); short protein forms P20del.
Identifiers: ClinVar variation 1684757 (VCV001684757.2), dbSNP rs751111546, ClinGen allele CA5153068.

ClinVar aggregate classification (germline): Conflicting classifications of pathogenicity. Review status: criteria provided, conflicting classifications (1 of 4 stars). 3 submissions from 3 submitters: Uncertain significance (1); Benign (1); Likely benign (1). Last evaluated 2026-09-06.

Conditions:
Neurodevelopmental disorder with poor language and loss of hand skills. Identifiers: MedGen C4693546, MONDO:0060659, OMIM 617903.

Submissions (3):

Mendelics
Classification: Benign for Neurodevelopmental disorder with poor language and loss of hand skills. Last evaluated: 2026-09-06. Review status: criteria provided, single submitter. Criteria: Mendelics Assertion Criteria 2019. Collection method: clinical testing. Allele origin: germline.
Comment: Variant NM_005458.8(GABBR2):c.33GCC[5] (p.Pro20del) was genotyped as heterozgotes and homozgotes in clinical testing for distinct phenotypes not related to GABBR2.

Blueprint Genetics
Classification: Likely benign. Last evaluated: 2024-11-23. Review status: criteria provided, single submitter. Criteria: ACMG Guidelines, 2015. Collection method: clinical testing. Allele origin: germline.

Neuberg Centre For Genomic Medicine, NCGM
Classification: Uncertain significance for Neurodevelopmental disorder with poor language and loss of hand skills. Review status: criteria provided, single submitter. Criteria: ACMG Guidelines, 2015. Collection method: clinical testing. Allele origin: germline. Inheritance: Autosomal dominant inheritance. Affected: yes.
Comment: The in-frame deletion p.P20del in GABBR2 (NM_005458.8) has not been reported previously as a pathogenic variant nor as a benign variant, to our knowledge. This variant is novel (not in any individuals) in gnomAD Exomes and in 1000 Genomes. This p.Pro20del causes deletion of amino acid Proline at position 20. However, as this is an in-frame deletion, it is not expected to result in either a truncated protein product or loss of protein through nonsense-mediated mRNA decay. For these reasons, this variant has been classified as Uncertain Significance.